The following is an entry in ClinVar:

ClinVar aggregate classification (germline): Likely benign (1 of 4 stars; one submission).

Conditions:
BRWD3-related disorder. Also called: BRWD3-related condition.

Submission:

PreventionGenetics, part of Exact Sciences
Classification: Likely benign for BRWD3-related condition. Last evaluated: 2025-11-07. Review status: criteria provided, single submitter. Criteria: ACMG Guidelines, 2015. Collection method: clinical testing. Allele origin: germline.
Comment: This variant is classified as likely benign based on ACMG/AMP sequence variant interpretation guidelines (Richards et al. 2015 PMID: 25741868, with internal and published modifications).

NM_153252.5(BRWD3):c.-1G>A

Gene: BRWD3 (bromodomain and WD repeat domain containing 3; minus strand). Cytogenetic location: Xq21.1.
Variant type: single nucleotide variant.
Coding change: c.-1G>A on transcript NM_153252.5 (MANE Select); 1 bases upstream of the start codon, G replaced by A.
Molecular consequence: 5 prime UTR variant.
Genome position (GRCh38, 1-based): chrX:80,809,472, C>T on the plus strand (G>A on the coding strand, the complement: BRWD3 is on the minus strand). VCF-style: chrX-80809472-C-T. GRCh37 (hg19) VCF-style: chrX-80064971-C-T.
Other names: c.-1G>A (NM_001441339.1).
Identifiers: ClinVar variation 4991770 (VCV004991770.1).